The following is an entry in ClinVar:

NM_001291746.2(REL):c.289C>T (p.Arg97Cys)

Gene: REL (REL proto-oncogene, NF-kB subunit; plus strand). Cytogenetic location: 2p16.1.
Variant type: single nucleotide variant.
Coding change: c.289C>T on transcript NM_001291746.2 (MANE Select); coding-DNA position 289, C replaced by T.
Protein change: p.Arg97Cys; replaces arginine 97 with cysteine.
Molecular consequence: missense variant.
Genome position (GRCh38, 1-based): chr2:60,894,532, C>T. VCF-style: chr2-60894532-C-T. GRCh37 (hg19) VCF-style: chr2-61121667-C-T.
Other names: c.289C>T, p.Arg97Cys (NM_002908.4); short protein forms R97C.
Identifiers: ClinVar variation 1971208 (VCV001971208.3), dbSNP rs955883570, ClinGen allele CA16040498.
Genomic context (GRCh38, chr2:60,894,532, plus strand): 5'-CATGATTTAGTTGGAAAAGACTGCAGAGACGGCTACTATGAAGCAGAATTTGGACAAGAA[C>T]GCAGACCTTTGTTGTAAGTACACAGTTACAGACATCTTCAGAAATAAGATAAGACATAGG-3'
Protein context (NP_001278675.1, residues 87-107): GYYEAEFGQE[Arg97Cys]RPLFFQNLGI

ClinVar aggregate classification (germline): Uncertain significance (1 of 4 stars; one submission).

Allele frequency attached by ClinVar (database versions not stated): gnomAD exomes below 0.00001; gnomAD 0.00001.
gnomAD v4.1: 8 of 1,598,354 alleles (0.0005%); highest among the groups gnomAD compares: South Asian, 0.0023%; 1 homozygote.

Submission:

Labcorp Genetics (formerly Invitae), Labcorp
Classification: Uncertain significance. Last evaluated: 2022-03-26. Review status: criteria provided, single submitter. Criteria: Invitae Variant Classification Sherloc (09022015). Collection method: clinical testing. Allele origin: germline.
Comment: In summary, the available evidence is currently insufficient to determine the role of this variant in disease. Therefore, it has been classified as a Variant of Uncertain Significance. Algorithms developed to predict the effect of missense changes on protein structure and function (SIFT, PolyPhen-2, Align-GVGD) all suggest that this variant is likely to be disruptive. This variant has not been reported in the literature in individuals affected with REL-related conditions. This variant is present in population databases (no rsID available, gnomAD 0.0009%). This sequence change replaces arginine, which is basic and polar, with cysteine, which is neutral and slightly polar, at codon 97 of the REL protein (p.Arg97Cys).